The following is an entry in ClinVar:

NM_000263.4(NAGLU):c.445dup (p.Arg149fs)

Gene: NAGLU (N-acetyl-alpha-glucosaminidase; plus strand). Cytogenetic location: 17q21.2.
Variant type: Duplication.
Coding change: c.445dup on transcript NM_000263.4 (MANE Select); coding-DNA position 445, one base duplicated (C; older notation c.445dupC).
Protein change: p.Arg149fs; shifts the reading frame from arginine 149.
Molecular consequence: frameshift variant.
Genome position (GRCh38, 1-based): chr17:42,537,459, C duplicated; the last of 3 consecutive C bases (chr17:42,537,457-42,537,459); duplicating any one gives the same sequence. VCF-style (leftmost placement, unchanged base first): chr17-42537456-G-GC. GRCh37 (hg19) VCF-style: chr17-40689474-G-GC.
Other names: short protein forms R149fs.
Identifiers: ClinVar variation 5012154 (VCV005012154.1).

ClinVar aggregate classification (germline): Pathogenic (1 of 4 stars; one submission).

Conditions:
Mucopolysaccharidosis, MPS-III-B (MPS3B). Also called: N-ACETYL-ALPHA-D-GLUCOSAMINIDASE DEFICIENCY; NAGLU DEFICIENCY; SANFILIPPO SYNDROME B; MPS III B; MUCOPOLYSACCHARIDOSIS, TYPE IIIB; Mucopolysaccharidosis type IIIB (Sanfilippo B). Identifiers: Orphanet 79270, MedGen C0086648, MONDO:0009656, OMIM 252920.

Submission:

Myriad Genetics, Inc.
Classification: Pathogenic for Mucopolysaccharidosis, MPS-III-B. Last evaluated: 2023-09-27. Review status: criteria provided, single submitter. Criteria: Myriad Autosomal Dominant, Autosomal Recessive and X-Linked Classification Criteria (2023). Collection method: clinical testing. Allele origin: unknown.
Comment: NM_000263.3(NAGLU):c.445dupC(R149Pfs*43) is expected to be pathogenic in the context of mucopolysaccharidosis type IIIB. This variant is predicted to lead to an abnormal or absent protein product due to the creation of a premature termination codon in NAGLU, a gene where loss-of-function variants are known to be pathogenic. Please note: this variant was assessed in the context of healthy population screening.